The following is an entry in ClinVar:

NM_001042681.2(RERE):c.4475A>C (p.His1492Pro)

Gene: RERE (arginine-glutamic acid dipeptide repeats; minus strand). Cytogenetic location: 1p36.23.
Variant type: single nucleotide variant.
Coding change: c.4475A>C on transcript NM_001042681.2 (MANE Select); coding-DNA position 4475, A replaced by C.
Protein change: p.His1492Pro; replaces histidine 1492 with proline.
Molecular consequence: missense variant.
Genome position (GRCh38, 1-based): chr1:8,356,111, T>G on the plus strand (A>C on the coding strand, the complement: RERE is on the minus strand). VCF-style: chr1-8356111-T-G. GRCh37 (hg19) VCF-style: chr1-8416171-T-G.
Other names: c.2813A>C, p.His938Pro (NM_001042682.2); c.4475A>C, p.His1492Pro (NM_012102.4); short protein forms H1492P, H938P.
Identifiers: ClinVar variation 2499785 (VCV002499785.1), dbSNP rs2522680138, ClinGen allele CA338168410.

ClinVar aggregate classification (germline): Uncertain significance (1 of 4 stars; one submission).

Submission:

GeneDx
Classification: Uncertain significance. Last evaluated: 2022-10-21. Review status: criteria provided, single submitter. Criteria: GeneDx Variant Classification Process June 2021. Collection method: clinical testing. Allele origin: germline. Affected: yes.
Comment: Not observed at significant frequency in large population cohorts (gnomAD); In silico analysis supports that this missense variant has a deleterious effect on protein structure/function; Has not been previously published as pathogenic or benign to our knowledge